The following is an entry in ClinVar:

ClinVar aggregate classification (germline): Uncertain significance. Review status: criteria provided, multiple submitters, no conflicts (2 of 4 stars). 3 submissions from 3 submitters: Uncertain significance (3). Last evaluated 2021-08-23.

Conditions:
Ataxia-telangiectasia-like disorder (ATLD). Identifiers: MedGen C1858391, MONDO:0011457.
Hereditary cancer-predisposing syndrome. Also called: Neoplastic Syndromes, Hereditary; Hereditary Cancer Syndrome; Tumor predisposition; Hereditary neoplastic syndrome. Identifiers: Orphanet 140162, MedGen C0027672, MeSH D009386, MONDO:0015356.

Allele frequency attached by ClinVar (database versions not stated): TOPMed below 0.00001; gnomAD 0.00001; gnomAD exomes 0.00001; ExAC 0.00002.
gnomAD v4.1: 5 of 1,613,754 alleles (0.00031%); highest among the groups gnomAD compares: Non-Finnish European, 0.00017%; no homozygotes.

Submissions (3):

Labcorp Genetics (formerly Invitae), Labcorp
Classification: Uncertain significance for Ataxia-telangiectasia-like disorder. Last evaluated: 2021-08-23. Review status: criteria provided, single submitter. Criteria: Invitae Variant Classification Sherloc (09022015). Collection method: clinical testing. Allele origin: germline.
Comment: In summary, the available evidence is currently insufficient to determine the role of this variant in disease. Therefore, it has been classified as a Variant of Uncertain Significance. Algorithms developed to predict the effect of missense changes on protein structure and function are either unavailable or do not agree on the potential impact of this missense change (SIFT: "Tolerated"; PolyPhen-2: "Probably Damaging"; Align-GVGD: "Class C0"). ClinVar contains an entry for this variant (Variation ID: 584531). This variant has not been reported in the literature in individuals affected with MRE11-related conditions. This variant is present in population databases (rs749043357, ExAC 0.02%). This sequence change replaces histidine with proline at codon 152 of the MRE11 protein (p.His152Pro). The histidine residue is highly conserved and there is a moderate physicochemical difference between histidine and proline.

GeneKor MSA
Classification: Uncertain significance for Hereditary cancer-predisposing syndrome. Last evaluated: 2018-08-01. Review status: criteria provided, single submitter. Criteria: ACMG Guidelines, 2015. Collection method: clinical testing. Allele origin: germline.

Ambry Genetics
Classification: Uncertain significance for Hereditary cancer-predisposing syndrome. Last evaluated: 2018-06-29. Review status: criteria provided, single submitter. Criteria: Ambry Variant Classification Scheme 2023. Collection method: clinical testing. Allele origin: germline.
Comment: The p.H152P variant (also known as c.455A>C), located in coding exon 5 of the MRE11A gene, results from an A to C substitution at nucleotide position 455. The histidine at codon 152 is replaced by proline, an amino acid with similar properties. This amino acid position is highly conserved in available vertebrate species. In addition, this alteration is predicted to be deleterious by in silico analysis. Since supporting evidence is limited at this time, the clinical significance of this alteration remains unclear.

NM_005591.4(MRE11):c.455A>C (p.His152Pro)

Gene: MRE11 (MRE11 double strand break repair nuclease; minus strand). Cytogenetic location: 11q21.
Variant type: single nucleotide variant.
Coding change: c.455A>C on transcript NM_005591.4 (MANE Select); coding-DNA position 455, A replaced by C.
Protein change: p.His152Pro; replaces histidine 152 with proline.
Molecular consequence: missense variant.
Genome position (GRCh38, 1-based): chr11:94,478,824, T>G on the plus strand (A>C on the coding strand, the complement: MRE11 is on the minus strand). VCF-style: chr11-94478824-T-G. GRCh37 (hg19) VCF-style: chr11-94211990-T-G.
Other names: c.455A>C, p.His152Pro (NM_001330347.2, NM_005590.4); short protein forms H152P.
Identifiers: ClinVar variation 584531 (VCV000584531.10), dbSNP rs749043357, ClinGen allele CA6235387.